The following is an entry in ClinVar:

ClinVar aggregate classification (germline): Benign (1 of 4 stars; one submission).

gnomAD v4.1: 1,278 of 1,613,936 alleles (0.079%); highest among the groups gnomAD compares: African/African-American, 0.73%; 3 homozygotes.

Submission:

CeGaT Center for Human Genetics Tuebingen
Classification: Benign. Last evaluated: 2025-10-01. Review status: criteria provided, single submitter. Criteria: CeGaT Center For Human Genetics Tuebingen Variant Classification Criteria Version 2. Collection method: clinical testing. Allele origin: germline. Affected: yes. Observed: 1 variant allele.
Comment: GNB2: BS1, BS2

NM_005273.4(GNB2):c.583G>A (p.Asp195Asn)

Gene: GNB2 (G protein subunit beta 2; plus strand). Cytogenetic location: 7q22.1.
Variant type: single nucleotide variant.
Coding change: c.583G>A on transcript NM_005273.4 (MANE Select); coding-DNA position 583, G replaced by A.
Protein change: p.Asp195Asn; replaces aspartic acid 195 with asparagine.
Molecular consequence: missense variant.
Genome position (GRCh38, 1-based): chr7:100,678,183, G>A. VCF-style: chr7-100678183-G-A. GRCh37 (hg19) VCF-style: chr7-100275806-G-A.
Other names: short protein forms D195N.
Identifiers: ClinVar variation 4533750 (VCV004533750.6).